The following is an entry in ClinVar:

NM_001130438.3(SPTAN1):c.6896_6904del (p.Trp2299_Gln2301del)

Gene: SPTAN1 (spectrin alpha, non-erythrocytic 1; plus strand). Cytogenetic location: 9q34.11.
Variant type: Deletion.
Coding change: c.6896_6904del on transcript NM_001130438.3 (MANE Select); coding-DNA positions 6896 to 6904, 9 bases deleted (GGGACCAGC; older notation c.6896_6904delGGGACCAGC).
Protein change: p.Trp2299_Gln2301del.
Molecular consequence: inframe deletion.
Genome position (GRCh38, 1-based): chr9:128,632,260-128,632,268, GGGACCAGC deleted. VCF-style (leftmost placement, unchanged base first): chr9-128632259-TGGGACCAGC-T. GRCh37 (hg19) VCF-style: chr9-131394538-TGGGACCAGC-T.
Other names: c.6821_6829del, p.Trp2274_Gln2276del (NM_001195532.2); c.6959_6967del, p.Trp2320_Gln2322del (NM_001363759.2); c.6836_6844del, p.Trp2279_Gln2281del (NM_001363765.2, NM_001375314.2); c.6983_6991del, p.Trp2328_Gln2330del (NM_001375310.1); c.6896_6904del, p.Trp2299_Gln2301del (NM_001375311.2); c.6932_6940del, p.Trp2311_Gln2313del (NM_001375312.2); c.6878_6886del, p.Trp2293_Gln2295del (NM_001375313.1); c.6995_7003del, p.Trp2332_Gln2334del (NM_001375318.1); and 2 more.
Identifiers: ClinVar variation 1709560 (VCV001709560.3), dbSNP rs2542380287, ClinGen allele CA2580079751.
Genomic context (GRCh38, chr9:128,632,259, plus strand): 5'-GAGGCCCTCATCCTGGACAACAAGTACACGGAGCACAGCACCGTGGGCCTCGCCCAGCAG[TGGGACCAGC>T]TGGACCAGCTGGGCATGCGCATGCAGCACAACCTGGAGCAGCAGATCCAGGCCAGGTACC-3'

ClinVar aggregate classification (germline): Conflicting classifications of pathogenicity. Review status: criteria provided, conflicting classifications (1 of 4 stars). 2 submissions from 2 submitters: Pathogenic (1); Uncertain significance (1). Last evaluated 2024-02-29.

Conditions:
Inborn genetic diseases. Identifiers: MedGen C0950123, MeSH D030342.
Developmental and epileptic encephalopathy, 5 (DEE5). Identifiers: Orphanet 3451, MedGen C3150731, MONDO:0013277, OMIM 613477.

Submissions (2):

Ambry Genetics
Classification: Uncertain significance for Inborn genetic diseases. Last evaluated: 2024-02-29. Review status: criteria provided, single submitter. Criteria: Ambry Variant Classification Scheme 2023. Collection method: clinical testing. Allele origin: germline.
Comment: The c.6896_6904delGGGACCAGC (p.W2299_Q2301del) alteration, located in coding exon 52 of the SPTAN1 gene, results from an in-frame deletion of 9 nucleotides at positions c.6896 to c.6904. This results in the deletion of 3 amino acids between codons 2299 and 2301. This variant was not reported in population-based cohorts in the Genome Aggregation Database (gnomAD). These amino acid positions are highly conserved in available vertebrate species. This alteration is predicted to be deleterious by in silico analysis (Choi, 2012). Based on insufficient or conflicting evidence, the clinical significance of this alteration remains unclear.

MGZ Medical Genetics Center
Classification: Pathogenic for Developmental and epileptic encephalopathy, 5. Last evaluated: 2021-08-27. Review status: criteria provided, single submitter. Criteria: ACMG Guidelines, 2015. Collection method: clinical testing. Allele origin: germline. Affected: yes. Observed: 1 variant allele.
Comment: ACMG criteria applied: PS2_VSTR, PM1, PM4, PM2_SUP